The following is an entry in ClinVar:

ClinVar aggregate classification (germline): Uncertain significance (1 of 4 stars; one submission).

gnomAD v4.1: 2 of 1,614,116 alleles (0.00012%); highest among the groups gnomAD compares: Non-Finnish European, 0.00017%; no homozygotes.

Submission:

Women's Health and Genetics/Laboratory Corporation of America, LabCorp
Classification: Uncertain significance. Last evaluated: 2026-06-26. Review status: criteria provided, single submitter. Criteria: LabCorp Variant Classification Summary - May 2015. Collection method: clinical testing. Allele origin: germline.
Comment: Variant summary: TRPM3 c.1464G>A alters a conserved nucleotide resulting in a synonymous change. Several computational tools predict a significant impact on normal splicing: Two predict the variant strengthens a 5' donor site. Two predict the variant creates a 5' donor site. However, these predictions have yet to be confirmed by functional studies. The variant allele was found at a frequency of 4e-06 in 251486 control chromosomes. The available data on variant occurrences in the general population are insufficient to allow any conclusion about variant significance. To our knowledge, no occurrence of c.1464G>A in individuals affected with TRPM3-related conditions and no experimental evidence demonstrating its impact on protein function have been reported. No submitters have cited clinical-significance assessments for this variant to ClinVar. Based on the evidence outlined above, the variant was classified as uncertain significance.

NM_001366145.2(TRPM3):c.1959G>A (p.Val653=)

Gene: TRPM3 (transient receptor potential cation channel subfamily M member 3; minus strand). Cytogenetic location: 9q21.12.
Variant type: single nucleotide variant.
Coding change: c.1959G>A on transcript NM_001366145.2 (MANE Select); coding-DNA position 1959, G replaced by A.
Protein change: p.Val653=; no amino-acid change (valine 653 retained).
Molecular consequence: synonymous variant.
Genome position (GRCh38, 1-based): chr9:70,620,246, C>T on the plus strand (G>A on the coding strand, the complement: TRPM3 is on the minus strand). VCF-style: chr9-70620246-C-T. GRCh37 (hg19) VCF-style: chr9-73235162-C-T.
Other names: c.1893G>A, p.Val631= (NM_001366150.2); c.1923G>A, p.Val641= (NM_001366151.2, NM_001007471.4); c.2034G>A, p.Val678= (NM_001366152.2, NM_001366147.2); c.1500G>A, p.Val500= (NM_001366154.2, NM_024971.7); c.1464G>A, p.Val488= (NM_020952.6); c.1434G>A, p.Val478= (NM_206944.5); c.1470G>A, p.Val490= (NM_206945.5); c.1539G>A, p.Val513= (NM_206946.5); and 5 more.
Identifiers: ClinVar variation 4887673 (VCV004887673.1).